The following is an entry in ClinVar:

ClinVar aggregate classification (germline): Uncertain significance. Review status: criteria provided, single submitter (1 of 4 stars). 2 submissions from 2 submitters: Uncertain significance (1). 1 of the submissions does not count toward it. Last evaluated 2023-02-23.

Conditions:
Seizures, benign familial infantile, 3 (BFIS3). Also called: CONVULSIONS, BENIGN FAMILIAL INFANTILE, 3; Familial neonatal seizures. Identifiers: Orphanet 140927, Orphanet 306, MedGen C1843140, MONDO:0011904, OMIM 607745.
Developmental and epileptic encephalopathy, 11 (DEE11). Also called: Early infantile epileptic encephalopathy 11. Identifiers: Orphanet 1934, MedGen C3150987, MONDO:0013388, OMIM 613721.

Submissions (2):

Labcorp Genetics (formerly Invitae), Labcorp
Classification: Uncertain significance for Seizures, benign familial infantile, 3; Developmental and epileptic encephalopathy, 11. Last evaluated: 2023-02-23. Review status: criteria provided, single submitter. Criteria: Invitae Variant Classification Sherloc (09022015). Collection method: clinical testing. Allele origin: germline.
Comment: This sequence change replaces glycine, which is neutral and non-polar, with aspartic acid, which is acidic and polar, at codon 1460 of the SCN2A protein (p.Gly1460Asp). This variant is not present in population databases (gnomAD no frequency). This variant has not been reported in the literature in individuals affected with SCN2A-related conditions. Advanced modeling of protein sequence and biophysical properties (such as structural, functional, and spatial information, amino acid conservation, physicochemical variation, residue mobility, and thermodynamic stability) performed at Invitae indicates that this missense variant is expected to disrupt SCN2A protein function. In summary, the available evidence is currently insufficient to determine the role of this variant in disease. Therefore, it has been classified as a Variant of Uncertain Significance.

Solve-RD Consortium
Classification: Likely pathogenic for Seizures, benign familial infantile, 3. Last evaluated: 2022-06-01. Review status: no assertion criteria provided. Collection method: provider interpretation. Allele origin: inherited. Affected: yes. Not counted in ClinVar's aggregate classification.
Comment: Variant confirmed as disease-causing by referring clinical team

Variant identified during reanalysis of unsolved cases by the Solve-RD project. The Solve-RD project has received funding from the European Union’s Horizon 2020 research and innovation programme under grant agreement No 779257.

Literature cited by the submitters: PubMed 39825153 (cited by Solve-RD Consortium).

NM_001040142.2(SCN2A):c.4379G>A (p.Gly1460Asp)

Gene: SCN2A (sodium voltage-gated channel alpha subunit 2; plus strand). Cytogenetic location: 2q24.3.
Variant type: single nucleotide variant.
Coding change: c.4379G>A on transcript NM_001040142.2 (MANE Select); coding-DNA position 4379, G replaced by A.
Protein change: p.Gly1460Asp; replaces glycine 1460 with aspartic acid.
Molecular consequence: missense variant.
Genome position (GRCh38, 1-based): chr2:165,380,662, G>A. VCF-style: chr2-165380662-G-A. GRCh37 (hg19) VCF-style: chr2-166237172-G-A.
Other names: c.4379G>A, p.Gly1460Asp (NM_001040143.2, NM_001371246.1, NM_001371247.1 and 1 more transcripts); short protein forms G1460D.
Identifiers: ClinVar variation 2944656 (VCV002944656.4), dbSNP rs2468126518, ClinGen allele CA349033968.
Genomic context (GRCh38, chr2:165,380,662, plus strand): 5'-AACCCAAGTATGAAGACAACCTGTACATGTATCTTTATTTTGTCATCTTTATTATTTTTG[G>A]TTCATTCTTTACCTTGAATCTTTTCATTGGTGTCATCATAGATAACTTCAACCAACAGAA-3'
Protein context (NP_001035232.1, residues 1450-1470): YLYFVIFIIF[Gly1460Asp]SFFTLNLFIG